The following is an entry in ClinVar:

NM_015215.4(CAMTA1):c.882_883insCG (p.Gly295fs)

Gene: CAMTA1 (calmodulin binding transcription activator 1; plus strand). Cytogenetic location: 1p36.23.
Variant type: Insertion.
Coding change: c.882_883insCG on transcript NM_015215.4 (MANE Select); coding-DNA positions 882 to 883, CG inserted.
Protein change: p.Gly295fs; shifts the reading frame from glycine 295.
Molecular consequence: frameshift variant.
Genome position: GRCh38 VCF-style: chr1-7663429-A-ACG. GRCh37 (hg19) VCF-style: chr1-7723489-A-ACG.
Other names: c.792_793insCG, p.Gly265fs (NM_001349608.2, NM_001349612.2); c.882_883insCG, p.Gly295fs (NM_001349609.2, NM_001349610.2); short protein forms G265fs, G295fs.
Identifiers: ClinVar variation 421507 (VCV000421507.2), dbSNP rs1064795180, ClinGen allele CA16617188.

ClinVar aggregate classification (germline): Pathogenic (1 of 4 stars; one submission).

Submission:

GeneDx
Classification: Pathogenic. Last evaluated: 2016-06-21. Review status: criteria provided, single submitter. Criteria: GeneDx Variant Classification (06012015). Collection method: clinical testing. Allele origin: germline. Affected: yes.
Comment: The c.882_883insCG pathogenic variant in the CAMTA1 gene has not been reported previously as a pathogenic variant nor as a benign variant, to our knowledge. This variant causes a frameshift starting with codon Glycine 295, changes this amino acid to an Arginine residue, and creates a premature Stop codon at position 96 of the new reading frame, denoted p.Gly295ArgfsX96. This variant is predicted to cause loss of normal protein function either through protein truncation or nonsense-mediated mRNA decay. The c.882_883insCG variant was not observed in approximately 6500 individuals of European and African American ancestry in the NHLBI Exome Sequencing Project, indicating it is not a common benign variant in these populations. We interpret c.882_883insCG as a pathogenic variant.